The following is an entry in ClinVar:

ClinVar aggregate classification (germline): Conflicting classifications of pathogenicity. Review status: criteria provided, conflicting classifications (1 of 4 stars). 3 submissions from 3 submitters: Uncertain significance (2); Benign (1). Last evaluated 2025-12-09.

Conditions:
Shprintzen-Goldberg syndrome (SGS). Also called: SHPRINTZEN-GOLDBERG CRANIOSYNOSTOSIS SYNDROME; CRANIOSYNOSTOSIS WITH ARACHNODACTYLY AND ABDOMINAL HERNIAS; Marfanoid disorder with craniosynostosis type 1; Marfanoid craniosynostosis syndrome; Shprintzen-Goldberg marfanoid syndrome. Identifiers: Orphanet 2462, MedGen C1321551, MONDO:0008426, OMIM 182212.
Familial thoracic aortic aneurysm and aortic dissection (TAAD). Also called: Thoracic aortic aneurysms and dissections. Identifiers: Orphanet 91387, MedGen C4707243, MONDO:0019625.

Allele frequency attached by ClinVar (database versions not stated): gnomAD exomes 0.00003; gnomAD 0.00002; ExAC 0.00011.
gnomAD v4.1: 69 of 1,414,322 alleles (0.0049%); highest among the groups gnomAD compares: Non-Finnish European, 0.006%; no homozygotes.

Submissions (3):

Labcorp Genetics (formerly Invitae), Labcorp
Classification: Benign for Shprintzen-Goldberg syndrome. Last evaluated: 2025-12-09. Review status: criteria provided, single submitter. Criteria: Invitae Variant Classification Sherloc (09022015). Collection method: clinical testing. Allele origin: germline.

Ambry Genetics
Classification: Uncertain significance for Familial thoracic aortic aneurysm and aortic dissection. Last evaluated: 2024-02-12. Review status: criteria provided, single submitter. Criteria: Ambry Variant Classification Scheme 2023. Collection method: clinical testing. Allele origin: germline.
Comment: The p.V64M variant (also known as c.190G>A), located in coding exon 1 of the SKI gene, results from a G to A substitution at nucleotide position 190. The valine at codon 64 is replaced by methionine, an amino acid with highly similar properties. This amino acid position is conserved. In addition, the in silico prediction for this alteration is inconclusive. Since supporting evidence is limited at this time, the clinical significance of this alteration remains unclear.

GeneDx
Classification: Uncertain significance. Last evaluated: 2022-07-14. Review status: criteria provided, single submitter. Criteria: GeneDx Variant Classification Process June 2021. Collection method: clinical testing. Allele origin: germline. Affected: yes.
Comment: Has not been previously published as pathogenic or benign to our knowledge; In silico analysis supports that this missense variant does not alter protein structure/function

NM_003036.4(SKI):c.190G>A (p.Val64Met)

Gene: SKI (SKI proto-oncogene; plus strand). Cytogenetic location: 1p36.33.
Variant type: single nucleotide variant.
Coding change: c.190G>A on transcript NM_003036.4 (MANE Select); coding-DNA position 190, G replaced by A.
Protein change: p.Val64Met; replaces valine 64 with methionine.
Molecular consequence: missense variant.
Genome position (GRCh38, 1-based): chr1:2,228,956, G>A. VCF-style: chr1-2228956-G-A. GRCh37 (hg19) VCF-style: chr1-2160395-G-A.
Other names: short protein forms V64M.
Identifiers: ClinVar variation 1417909 (VCV001417909.11), dbSNP rs754036418, ClinGen allele CA536348.
Genomic context (GRCh38, chr1:2,228,956, plus strand): 5'-CAGGAGGCCTACAAGAAGGAGAGCGCCAAGGAGGCGGGCGCGGCCGCGGTGCCGGCGCCG[G>A]TGCCCGCAGCCACCGAGCCGCCGCCCGTGCTGCACCTGCCCGCCATCCAGCCGCCGCCGC-3'
Protein context (NP_003027.1, residues 54-74): EAGAAAVPAP[Val64Met]PAATEPPPVL